The following is an entry in ClinVar:

NM_001080467.3(MYO5B):c.3741C>T (p.Leu1247=)

Gene: MYO5B (myosin VB; minus strand). Cytogenetic location: 18q21.1.
Variant type: single nucleotide variant.
Coding change: c.3741C>T on transcript NM_001080467.3 (MANE Select); coding-DNA position 3741, C replaced by T.
Protein change: p.Leu1247=; no amino-acid change (leucine 1247 retained).
Molecular consequence: synonymous variant.
Genome position (GRCh38, 1-based): chr18:49,864,243, G>A on the plus strand (C>T on the coding strand, the complement: MYO5B is on the minus strand). VCF-style: chr18-49864243-G-A. GRCh37 (hg19) VCF-style: chr18-47390613-G-A.
Other names: c.3741C>T (NM_001080467.2).
Identifiers: ClinVar variation 2175581 (VCV002175581.6), dbSNP rs369003781, ClinGen allele CA8960609.

ClinVar aggregate classification (germline): Likely benign. Review status: criteria provided, single submitter (1 of 4 stars). 2 submissions from 2 submitters: Likely benign (1). 1 of the submissions does not count toward it. Last evaluated 2026-01-18.

Conditions:
MYO5B-related disorder. Also called: MYO5B-related condition.

Allele frequency attached by ClinVar (database versions not stated): gnomAD 0.00002; gnomAD exomes 0.00003; ExAC 0.00006; ESP Exome Variant Server 0.00008; 1000 Genomes Project 30x 0.00016; 1000 Genomes Project 0.00020.
gnomAD v4.1: 51 of 1,614,128 alleles (0.0032%); highest among the groups gnomAD compares: Middle Eastern, 0.049%; 1 homozygote.

Submissions (2):

Labcorp Genetics (formerly Invitae), Labcorp
Classification: Likely benign. Last evaluated: 2026-01-18. Review status: criteria provided, single submitter. Criteria: Invitae Variant Classification Sherloc (09022015). Collection method: clinical testing. Allele origin: germline.

PreventionGenetics, part of Exact Sciences
Classification: Likely benign for MYO5B-related condition. Last evaluated: 2023-11-27. Review status: no assertion criteria provided. Collection method: clinical testing. Allele origin: germline. Not counted in ClinVar's aggregate classification.
Comment: This variant is classified as likely benign based on ACMG/AMP sequence variant interpretation guidelines (Richards et al. 2015 PMID: 25741868, with internal and published modifications).